The following is an entry in ClinVar:

ClinVar aggregate classification (germline): Uncertain significance (1 of 4 stars; one submission).

Conditions:
Peroxisome biogenesis disorder. Identifiers: Orphanet 79189, MedGen C1832200, MONDO:0019234. Disease mechanism: loss of function.

Allele frequency attached by ClinVar (database versions not stated): gnomAD 0.00001.
gnomAD v4.1: 1 of 1,612,658 alleles (0.000062%); highest among the groups gnomAD compares: Admixed American, 0.0017%; no homozygotes.

Submission:

Labcorp Genetics (formerly Invitae), Labcorp
Classification: Uncertain significance for Peroxisome biogenesis disorder. Last evaluated: 2023-09-09. Review status: criteria provided, single submitter. Criteria: Invitae Variant Classification Sherloc (09022015). Collection method: clinical testing. Allele origin: germline.
Comment: In summary, the available evidence is currently insufficient to determine the role of this variant in disease. Therefore, it has been classified as a Variant of Uncertain Significance. Advanced modeling of protein sequence and biophysical properties (such as structural, functional, and spatial information, amino acid conservation, physicochemical variation, residue mobility, and thermodynamic stability) performed at Invitae indicates that this missense variant is not expected to disrupt PEX16 protein function. This variant has not been reported in the literature in individuals affected with PEX16-related conditions. This variant is present in population databases (no rsID available, gnomAD 0.1%). This sequence change replaces serine, which is neutral and polar, with arginine, which is basic and polar, at codon 261 of the PEX16 protein (p.Ser261Arg).

NM_004813.4(PEX16):c.783T>A (p.Ser261Arg)

Gene: PEX16 (peroxisomal biogenesis factor 16; minus strand). Cytogenetic location: 11p11.2.
Variant type: single nucleotide variant.
Coding change: c.783T>A on transcript NM_004813.4 (MANE Select); coding-DNA position 783, T replaced by A.
Protein change: p.Ser261Arg; replaces serine 261 with arginine.
Molecular consequence: missense variant.
Genome position (GRCh38, 1-based): chr11:45,913,923, A>T on the plus strand (T>A on the coding strand, the complement: PEX16 is on the minus strand). VCF-style: chr11-45913923-A-T. GRCh37 (hg19) VCF-style: chr11-45935474-A-T.
Other names: c.783T>A, p.Ser261Arg (NM_057174.3); short protein forms S261R.
Identifiers: ClinVar variation 2756881 (VCV002756881.3), dbSNP rs1473757281, ClinGen allele CA380226341.